The following is an entry in ClinVar:

NM_001379451.1(BCORL1):c.2497T>C (p.Trp833Arg)

Gene: BCORL1 (BCL6 corepressor like 1; plus strand). Cytogenetic location: Xq26.1.
Variant type: single nucleotide variant.
Coding change: c.2497T>C on transcript NM_001379451.1 (MANE Select); coding-DNA position 2497, T replaced by C.
Protein change: p.Trp833Arg; replaces tryptophan 833 with arginine.
Molecular consequence: missense variant.
Genome position (GRCh38, 1-based): chrX:130,015,269, T>C. VCF-style: chrX-130015269-T-C. GRCh37 (hg19) VCF-style: chrX-129149245-T-C.
Other names: c.2497T>C, p.Trp833Arg (NM_001184772.3, NM_001379450.1, NM_021946.5); short protein forms W833R.
Identifiers: ClinVar variation 1308177 (VCV001308177.2), dbSNP rs2124450789, ClinGen allele CA414591361.
Genomic context (GRCh38, chrX:130,015,269, plus strand): 5'-ATTTATCCCCGGTGTTCAGTCAATGGGAAACCTACCAGCACCCAGGTCCTGCCTGTTGGC[T>C]GGTCCCCGTACCACCAGGCGTCTCTGCTTTCCATTGGCATTTCCAGTGCCGGGCAGCTGA-3'
Protein context (NP_001366380.1, residues 823-843): PTSTQVLPVG[Trp833Arg]SPYHQASLLS

ClinVar aggregate classification (germline): Uncertain significance (1 of 4 stars; one submission).

Submission:

GeneDx
Classification: Uncertain significance. Last evaluated: 2019-08-30. Review status: criteria provided, single submitter. Criteria: GeneDx Variant Classification Process June 2021. Collection method: clinical testing. Allele origin: germline. Affected: yes.
Comment: Not observed in large population cohorts (Lek et al., 2016); In silico analysis, which includes protein predictors and evolutionary conservation, supports a deleterious effect; Has not been previously published as pathogenic or benign to our knowledge